The following is an entry in ClinVar:

ClinVar aggregate classification (germline): Likely pathogenic (1 of 4 stars; one submission).

Conditions:
Cardiovascular phenotype. Identifiers: MedGen CN230736.

Submission:

Molecular Diagnostic Laboratory for Inherited Cardiovascular Disease, Montreal Heart Institute
Classification: Likely pathogenic for Cardiovascular phenotype. Last evaluated: 2024-12-09. Review status: criteria provided, single submitter. Criteria: ACMG Guidelines, 2015. Collection method: clinical testing. Allele origin: germline. Affected: yes.
Comment: PVS1_strong, PM2

NM_004415.4(DSP):c.7212dup (p.Leu2405fs)

Gene: DSP (desmoplakin; plus strand). Cytogenetic location: 6p24.3.
Variant type: Duplication.
Coding change: c.7212dup on transcript NM_004415.4 (MANE Select); coding-DNA position 7212, one base duplicated (T; older notation c.7212dupT).
Protein change: p.Leu2405fs; shifts the reading frame from leucine 2405.
Molecular consequence: frameshift variant.
Genome position (GRCh38, 1-based): chr6:7,584,474, T duplicated; the last of 2 consecutive T bases (chr6:7,584,473-7,584,474); duplicating either gives the same sequence. VCF-style (leftmost placement, unchanged base first): chr6-7584472-A-AT. GRCh37 (hg19) VCF-style: chr6-7584705-A-AT.
Other names: c.5415dup, p.Leu1806fs (NM_001008844.3); c.5883dup, p.Leu1962fs (NM_001319034.2); short protein forms L1806fs, L1962fs, L2405fs.
Identifiers: ClinVar variation 3767925 (VCV003767925.1).